The following is an entry in ClinVar:

ClinVar aggregate classification (germline): Uncertain significance (1 of 4 stars; one submission).

Conditions:
T-cell immunodeficiency, congenital alopecia, and nail dystrophy. Also called: Congenital alopecia and nail dystrophy associated with severe functional T-cell immunodeficiency; Pignata Guarino syndrome. Identifiers: Orphanet 169095, MedGen C1866426, MONDO:0011132, OMIM 601705.

Submission:

Labcorp Genetics (formerly Invitae), Labcorp
Classification: Uncertain significance for T-cell immunodeficiency, congenital alopecia, and nail dystrophy. Last evaluated: 2026-01-02. Review status: criteria provided, single submitter. Criteria: Invitae Variant Classification Sherloc (09022015). Collection method: clinical testing. Allele origin: germline.
Comment: This sequence change replaces aspartic acid, which is acidic and polar, with asparagine, which is neutral and polar, at codon 354 of the FOXN1 protein (p.Asp354Asn). This variant is present in population databases (no rsID available, gnomAD 0.004%). This variant has not been reported in the literature in individuals affected with FOXN1-related conditions. Invitae Evidence Modeling of protein sequence and biophysical properties (such as structural, functional, and spatial information, amino acid conservation, physicochemical variation, residue mobility, and thermodynamic stability) indicates that this missense variant is not expected to disrupt FOXN1 protein function with a negative predictive value of 80%. In summary, the available evidence is currently insufficient to determine the role of this variant in disease. Therefore, it has been classified as a Variant of Uncertain Significance.

NM_001369369.1(FOXN1):c.1060G>A (p.Asp354Asn)

Gene: FOXN1 (forkhead box N1; plus strand). Cytogenetic location: 17q11.2.
Variant type: single nucleotide variant.
Coding change: c.1060G>A on transcript NM_001369369.1 (MANE Select); coding-DNA position 1060, G replaced by A.
Protein change: p.Asp354Asn; replaces aspartic acid 354 with asparagine.
Molecular consequence: missense variant.
Genome position (GRCh38, 1-based): chr17:28,534,463, G>A. VCF-style: chr17-28534463-G-A. GRCh37 (hg19) VCF-style: chr17-26861481-G-A.
Other names: c.1060G>A, p.Asp354Asn (NM_003593.3); short protein forms D354N.
Identifiers: ClinVar variation 4707661 (VCV004707661.1).
Genomic context (GRCh38, chr17:28,534,463, plus strand): 5'-AACAAATCAGGAAGTTCCTCCCGCAAGGGCTGCCTGTGGGCCCTCAATCCGGCCAAGATC[G>A]ACAAGATGCAAGAGGAGCTGCAAAAATGGAAGAGGAAAGATCCCATTGCTGTGCGCAAAA-3'
Protein context (NP_001356298.1, residues 344-364): CLWALNPAKI[Asp354Asn]KMQEELQKWK